The following is an entry in ClinVar:

NM_006030.4(CACNA2D2):c.2852G>T (p.Gly951Val)

Genes: CACNA2D2 (calcium voltage-gated channel auxiliary subunit alpha2delta 2; minus strand), LOC101928965 (uncharacterized LOC101928965; plus strand), LOC127898564 (CYB561D2-LOC101928965; plus strand). Cytogenetic location: 3p21.31.
Variant type: single nucleotide variant.
Coding change: c.2852G>T on transcript NM_006030.4 (MANE Select); coding-DNA position 2852, G replaced by T.
Protein change: p.Gly951Val; replaces glycine 951 with valine.
Molecular consequence: missense variant.
Genome position (GRCh38, 1-based): chr3:50,366,021, C>A on the plus strand (G>T on the coding strand, the complement: CACNA2D2 is on the minus strand). VCF-style: chr3-50366021-C-A. GRCh37 (hg19) VCF-style: chr3-50403452-C-A.
Other names: c.2852G>T, p.Gly951Val (NM_001005505.3); c.2873G>T, p.Gly958Val (NM_001174051.3); c.2645G>T, p.Gly882Val (NM_001291101.1); short protein forms G882V, G951V, G958V.
Identifiers: ClinVar variation 999687 (VCV000999687.3), dbSNP rs756463697, ClinGen allele CA2418357.

ClinVar aggregate classification (germline): Uncertain significance (1 of 4 stars; one submission).

Conditions:
Developmental and epileptic encephalopathy. Identifiers: MedGen C5779964, MONDO:0100620.

Allele frequency attached by ClinVar (database versions not stated): gnomAD exomes 0.00001; TOPMed 0.00001; ExAC 0.00002.
gnomAD v4.1: 20 of 1,612,378 alleles (0.0012%); highest among the groups gnomAD compares: African/African-American, 0.023%; no homozygotes.

Submission:

Labcorp Genetics (formerly Invitae), Labcorp
Classification: Uncertain significance for Early-infantile DEE. Last evaluated: 2022-08-23. Review status: criteria provided, single submitter. Criteria: Invitae Variant Classification Sherloc (09022015). Collection method: clinical testing. Allele origin: germline.
Comment: This sequence change replaces glycine, which is neutral and non-polar, with valine, which is neutral and non-polar, at codon 951 of the CACNA2D2 protein (p.Gly951Val). This variant is present in population databases (rs756463697, gnomAD 0.008%). This variant has not been reported in the literature in individuals affected with CACNA2D2-related conditions. ClinVar contains an entry for this variant (Variation ID: 999687). Algorithms developed to predict the effect of missense changes on protein structure and function are either unavailable or do not agree on the potential impact of this missense change (SIFT: "Deleterious"; PolyPhen-2: "Probably Damaging"; Align-GVGD: "Class C0"). In summary, the available evidence is currently insufficient to determine the role of this variant in disease. Therefore, it has been classified as a Variant of Uncertain Significance.